The following is an entry in ClinVar:

ClinVar aggregate classification (germline): Likely benign (0 of 4 stars; one submission).

Conditions:
PLXNA1-related disorder. Also called: PLXNA1-related condition.

Submission:

PreventionGenetics, part of Exact Sciences
Classification: Likely benign for PLXNA1-related condition. Last evaluated: 2023-11-27. Review status: no assertion criteria provided. Collection method: clinical testing. Allele origin: germline.
Comment: This variant is classified as likely benign based on ACMG/AMP sequence variant interpretation guidelines (Richards et al. 2015 PMID: 25741868, with internal and published modifications).

NM_032242.4(PLXNA1):c.471G>A (p.Glu157=)

Gene: PLXNA1 (plexin A1; plus strand). Cytogenetic location: 3q21.3.
Variant type: single nucleotide variant.
Coding change: c.471G>A on transcript NM_032242.4 (MANE Select); coding-DNA position 471, G replaced by A.
Protein change: p.Glu157=; no amino-acid change (glutamic acid 157 retained).
Molecular consequence: synonymous variant.
Genome position (GRCh38, 1-based): chr3:126,989,064, G>A. VCF-style: chr3-126989064-G-A. GRCh37 (hg19) VCF-style: chr3-126707907-G-A.
Identifiers: ClinVar variation 3349645 (VCV003349645.1).